The following is an entry in ClinVar:

ClinVar aggregate classification (germline): Benign/Likely benign. Review status: criteria provided, multiple submitters, no conflicts (2 of 4 stars). 10 submissions from 10 submitters: Benign (6); Likely benign (2). 2 of the submissions do not count toward it. Last evaluated 2026-02-04.

Conditions:
Autoinflammatory syndrome. Identifiers: Orphanet 93665, MedGen C3890737, MONDO:0019751.
Chédiak-Higashi syndrome (CHS). Also called: Chediak-Higashi Syndrome. Identifiers: Orphanet 167, MedGen C0007965, MONDO:0008963, OMIM 214500.

Allele frequency attached by ClinVar (database versions not stated): 1000 Genomes Project 0.02097; 1000 Genomes Project 30x 0.02342; ESP Exome Variant Server 0.02507; TOPMed 0.02714; gnomAD 0.02868 and 0.02884; ExAC 0.03204; gnomAD exomes 0.03451.
gnomAD v4.1: 57,235 of 1,613,120 alleles (3.5%); highest among the groups gnomAD compares: Admixed American, 7.5%; 1,238 homozygotes.

Submissions (10):

Labcorp Genetics (formerly Invitae), Labcorp
Classification: Benign for Chédiak-Higashi syndrome. Last evaluated: 2026-02-04. Review status: criteria provided, single submitter. Criteria: Invitae Variant Classification Sherloc (09022015). Collection method: clinical testing. Allele origin: germline.

Blueprint Genetics
Classification: Likely benign. Last evaluated: 2024-11-26. Review status: criteria provided, single submitter. Criteria: ACMG Guidelines, 2015. Collection method: clinical testing. Allele origin: germline.

Mayo Clinic Laboratories, Mayo Clinic
Classification: Benign. Last evaluated: 2023-04-07. Review status: criteria provided, single submitter. Criteria: ACMG Guidelines, 2015. Collection method: clinical testing. Allele origin: germline. Observed: 195 variant alleles.

Genome Diagnostics Laboratory, The Hospital for Sick Children
Classification: Benign for Autoinflammatory syndrome. Last evaluated: 2022-03-05. Review status: criteria provided, single submitter. Criteria: ACMG Guidelines, 2015. Collection method: clinical testing. Allele origin: germline. Affected: yes.

GeneDx
Classification: Benign. Last evaluated: 2019-04-12. Review status: criteria provided, single submitter. Criteria: GeneDx Variant Classification Process June 2021. Collection method: clinical testing. Allele origin: germline. Affected: yes.

Laboratory for Molecular Medicine, Mass General Brigham Personalized Medicine
Classification: Benign. Last evaluated: 2016-03-28. Review status: criteria provided, single submitter. Criteria: LMM Criteria. Collection method: clinical testing. Allele origin: germline.
Comment: Variant identified in a genome or exome case(s) and assessed due to predicted null impact of the variant or pathogenic assertions in the literature or databases. Disclaimer: This variant has not undergone full assessment. The following are preliminary notes: Frequency

Breakthrough Genomics
Classification: Likely benign. Review status: criteria provided, single submitter. Criteria: ACMG Guidelines, 2015. Collection method: not provided. Allele origin: germline. Inheritance: Autosomal recessive inheritance. Affected: yes.

PreventionGenetics, part of Exact Sciences
Classification: Benign. Review status: criteria provided, single submitter. Criteria: ACMG Guidelines, 2015. Collection method: clinical testing. Allele origin: germline.

Genome Diagnostics Laboratory, University Medical Center Utrecht
Classification: Benign. Review status: no assertion criteria provided. Collection method: clinical testing. Allele origin: germline. Affected: yes. Study: VKGL Data-share Consensus. Not counted in ClinVar's aggregate classification.

Laboratory of Diagnostic Genome Analysis, Leiden University Medical Center (LUMC)
Classification: Likely benign. Review status: no assertion criteria provided. Collection method: clinical testing. Allele origin: germline. Affected: yes. Study: VKGL Data-share Consensus. Not counted in ClinVar's aggregate classification.

NM_000081.4(LYST):c.7137A>C (p.Leu2379=)

Gene: LYST (lysosomal trafficking regulator; minus strand). Cytogenetic location: 1q42.3.
Variant type: single nucleotide variant.
Coding change: c.7137A>C on transcript NM_000081.4 (MANE Select); coding-DNA position 7137, A replaced by C.
Protein change: p.Leu2379=; no amino-acid change (leucine 2379 retained).
Molecular consequence: synonymous variant.
Genome position (GRCh38, 1-based): chr1:235,755,570, T>G on the plus strand (A>C on the coding strand, the complement: LYST is on the minus strand). VCF-style: chr1-235755570-T-G. GRCh37 (hg19) VCF-style: chr1-235918870-T-G.
Other names: p.Leu2379=; c.7137A>C, p.Leu2379= (NM_001301365.1); c.7137A>C (NM_000081.2).
Identifiers: ClinVar variation 254938 (VCV000254938.30), dbSNP rs61738992, ClinGen allele CA1466217.